The following is an entry in ClinVar:

NM_000283.4(PDE6B):c.769T>G (p.Phe257Val)

Genes: PDE6B-AS1 (PDE6B antisense RNA 1; minus strand), PDE6B (phosphodiesterase 6B; plus strand). Cytogenetic location: 4p16.3.
Variant type: single nucleotide variant.
Coding change: c.769T>G on transcript NM_000283.4 (MANE Select); coding-DNA position 769, T replaced by G.
Protein change: p.Phe257Val; replaces phenylalanine 257 with valine.
Molecular consequence: missense variant. On other transcripts: 5 prime UTR variant (5).
Genome position (GRCh38, 1-based): chr4:653,909, T>G. VCF-style: chr4-653909-T-G. GRCh37 (hg19) VCF-style: chr4-647698-T-G.
Other names: c.769T>G, p.Phe257Val (NM_001145291.2); c.-69T>G (NM_001145292.2, NM_001350154.3, NM_001379246.1 and 1 more transcripts); c.-272T>G (NM_001350155.3); short protein forms F257V.
Identifiers: ClinVar variation 838333 (VCV000838333.15), dbSNP rs766492141, ClinGen allele CA2794113.

ClinVar aggregate classification (germline): Uncertain significance. Review status: criteria provided, multiple submitters, no conflicts (2 of 4 stars). 4 submissions from 4 submitters: Uncertain significance (4). Last evaluated 2025-07-02.

Conditions:
PDE6B-related disorder. Also called: PDE6B-related disease; PDE6B-related condition; PDE6B-related disorders.
Inborn genetic diseases. Identifiers: MedGen C0950123, MeSH D030342.

Allele frequency attached by ClinVar (database versions not stated): gnomAD exomes 0.00007 and 0.00002; ExAC 0.00001; gnomAD 0.00003; TOPMed 0.00003.
gnomAD v4.1: 111 of 1,613,708 alleles (0.0069%); highest among the groups gnomAD compares: Non-Finnish European, 0.0092%; no homozygotes.

Submissions (4):

PreventionGenetics, part of Exact Sciences
Classification: Uncertain significance for PDE6B-related condition. Last evaluated: 2025-07-02. Review status: criteria provided, single submitter. Criteria: ACMG Guidelines, 2015. Collection method: clinical testing. Allele origin: germline.
Comment: The PDE6B c.769T>G variant is predicted to result in the amino acid substitution p.Phe257Val. To our knowledge, this variant has not been reported in the literature. This variant is reported in 0.0054% of alleles in individuals of European (Non-Finnish) descent in gnomAD. At this time, the clinical significance of this variant is uncertain due to the absence of conclusive functional and genetic evidence.

Labcorp Genetics (formerly Invitae), Labcorp
Classification: Uncertain significance. Last evaluated: 2025-04-27. Review status: criteria provided, single submitter. Criteria: Invitae Variant Classification Sherloc (09022015). Collection method: clinical testing. Allele origin: germline.
Comment: This sequence change replaces phenylalanine, which is neutral and non-polar, with valine, which is neutral and non-polar, at codon 257 of the PDE6B protein (p.Phe257Val). This variant is present in population databases (rs766492141, gnomAD 0.006%). This variant has not been reported in the literature in individuals affected with PDE6B-related conditions. ClinVar contains an entry for this variant (Variation ID: 838333). Invitae Evidence Modeling of protein sequence and biophysical properties (such as structural, functional, and spatial information, amino acid conservation, physicochemical variation, residue mobility, and thermodynamic stability) indicates that this missense variant is not expected to disrupt PDE6B protein function with a negative predictive value of 80%. In summary, the available evidence is currently insufficient to determine the role of this variant in disease. Therefore, it has been classified as a Variant of Uncertain Significance.

Ambry Genetics
Classification: Uncertain significance for Inborn genetic diseases. Last evaluated: 2024-06-19. Review status: criteria provided, single submitter. Criteria: Ambry Variant Classification Scheme 2023. Collection method: clinical testing. Allele origin: germline.

Blueprint Genetics
Classification: Uncertain significance. Last evaluated: 2023-06-28. Review status: criteria provided, single submitter. Criteria: ACMG Guidelines, 2015. Collection method: clinical testing. Allele origin: germline.